The following is an entry in ClinVar:

NM_000179.3(MSH6):c.447G>A (p.Lys149=)

Gene: MSH6 (mutS homolog 6; plus strand). Cytogenetic location: 2p16.3.
Variant type: single nucleotide variant.
Coding change: c.447G>A on transcript NM_000179.3 (MANE Select); coding-DNA position 447, G replaced by A.
Protein change: p.Lys149=; no amino-acid change (lysine 149 retained).
Molecular consequence: synonymous variant. On other transcripts: 5 prime UTR variant (2), intron variant (1).
Genome position (GRCh38, 1-based): chr2:47,791,113, G>A. VCF-style: chr2-47791113-G-A. GRCh37 (hg19) VCF-style: chr2-48018252-G-A.
Other names: c.-290G>A (NM_001281493.2); c.-456G>A (NM_001281494.2); c.238-7498G>A (NM_001281492.2).
Identifiers: ClinVar variation 1130726 (VCV001130726.12), dbSNP rs1553410379, ClinGen allele CA425989601.

ClinVar aggregate classification (germline): Benign/Likely benign. Review status: criteria provided, multiple submitters, no conflicts (2 of 4 stars). 3 submissions from 3 submitters: Benign (1); Likely benign (2). Last evaluated 2024-12-18.

Conditions:
Hereditary nonpolyposis colorectal neoplasms. Identifiers: MedGen C0009405, MeSH D003123.
Hereditary cancer-predisposing syndrome. Also called: Hereditary neoplastic syndrome; Hereditary Cancer Syndrome; Tumor predisposition; Neoplastic Syndromes, Hereditary. Identifiers: Orphanet 140162, MedGen C0027672, MeSH D009386, MONDO:0015356.
Lynch syndrome 5 (LYNCH5). Also called: Colorectal cancer, hereditary nonpolyposis, type 5; Hereditary non-polyposis colorectal cancer, type 5. Identifiers: Orphanet 144, MedGen C1833477, MONDO:0013710, OMIM 614350. Disease mechanism: loss of function.

Submissions (3):

Myriad Genetics, Inc.
Classification: Benign for Lynch syndrome 5. Last evaluated: 2024-12-18. Review status: criteria provided, single submitter. Criteria: Myriad Autosomal Dominant, Autosomal Recessive and X-Linked Classification Criteria (2023). Collection method: clinical testing. Allele origin: unknown.
Comment: This variant is considered benign. This variant is a silent/synonymous amino acid change and it is not expected to impact splicing.

Labcorp Genetics (formerly Invitae), Labcorp
Classification: Likely benign for Hereditary nonpolyposis colorectal neoplasms. Last evaluated: 2020-10-20. Review status: criteria provided, single submitter. Criteria: Invitae Variant Classification Sherloc (09022015). Collection method: clinical testing. Allele origin: germline.

Ambry Genetics
Classification: Likely benign for Hereditary cancer-predisposing syndrome. Last evaluated: 2020-09-04. Review status: criteria provided, single submitter. Criteria: Ambry Variant Classification Scheme 2023. Collection method: clinical testing. Allele origin: germline.